The following is an entry in ClinVar:

NM_006662.3(SRCAP):c.2190G>C (p.Gln730His)

Gene: SRCAP (Snf2 related CREBBP activator protein; plus strand). Cytogenetic location: 16p11.2.
Variant type: single nucleotide variant.
Coding change: c.2190G>C on transcript NM_006662.3 (MANE Select); coding-DNA position 2190, G replaced by C.
Protein change: p.Gln730His; replaces glutamine 730 with histidine.
Molecular consequence: missense variant.
Genome position (GRCh38, 1-based): chr16:30,713,267, G>C. VCF-style: chr16-30713267-G-C. GRCh37 (hg19) VCF-style: chr16-30724588-G-C.
Other names: short protein forms Q730H.
Identifiers: ClinVar variation 4680987 (VCV004680987.1).
Genomic context (GRCh38, chr16:30,713,267, plus strand): 5'-GGGCTGGACCAAGCCCAATGCCTTTCATGTGTGTATCACATCTTACAAGCTGGTGCTGCA[G>C]GACCACCAGGCCTTCCGTCGCAAGAACTGGCGCTATCTCATTCTGGATGAGGCGCAGAAC-3'
Protein context (NP_006653.2, residues 720-740): VCITSYKLVL[Gln730His]DHQAFRRKNW

ClinVar aggregate classification (germline): Uncertain significance (1 of 4 stars; one submission).

Submission:

GeneDx
Classification: Uncertain significance. Last evaluated: 2025-07-02. Review status: criteria provided, single submitter. Criteria: GeneDx Variant Classification Process June 2021. Collection method: clinical testing. Allele origin: germline. Affected: yes.
Comment: Not observed at significant frequency in large population cohorts (gnomAD); In silico analysis supports that this missense variant has a deleterious effect on protein structure/function; Has not been previously published as pathogenic or benign to our knowledge